The following is an entry in ClinVar:

ClinVar aggregate classification (germline): Uncertain significance (1 of 4 stars; one submission).

Conditions:
Dyskeratosis congenita. Identifiers: Orphanet 1775, MedGen C0265965, MONDO:0015780.

Submission:

Labcorp Genetics (formerly Invitae), Labcorp
Classification: Uncertain significance for Dyskeratosis congenita. Last evaluated: 2024-04-29. Review status: criteria provided, single submitter. Criteria: Invitae Variant Classification Sherloc (09022015). Collection method: clinical testing. Allele origin: germline.
Comment: This sequence change replaces cysteine, which is neutral and slightly polar, with arginine, which is basic and polar, at codon 156 of the TINF2 protein (p.Cys156Arg). This variant is not present in population databases (gnomAD no frequency). This variant has not been reported in the literature in individuals affected with TINF2-related conditions. An algorithm developed to predict the effect of missense changes on protein structure and function (PolyPhen-2) suggests that this variant is likely to be disruptive. In summary, the available evidence is currently insufficient to determine the role of this variant in disease. Therefore, it has been classified as a Variant of Uncertain Significance.

NM_001099274.3(TINF2):c.466T>C (p.Cys156Arg)

Gene: TINF2 (TERF1 interacting nuclear factor 2; minus strand). Cytogenetic location: 14q12.
Variant type: single nucleotide variant.
Coding change: c.466T>C on transcript NM_001099274.3 (MANE Select); coding-DNA position 466, T replaced by C.
Protein change: p.Cys156Arg; replaces cysteine 156 with arginine.
Molecular consequence: missense variant.
Genome position (GRCh38, 1-based): chr14:24,241,245, A>G on the plus strand (T>C on the coding strand, the complement: TINF2 is on the minus strand). VCF-style: chr14-24241245-A-G. GRCh37 (hg19) VCF-style: chr14-24710451-A-G.
Other names: c.361T>C, p.Cys121Arg (NM_001363668.2); c.466T>C, p.Cys156Arg (NM_012461.3); short protein forms C121R, C156R.
Identifiers: ClinVar variation 3623981 (VCV003623981.2).